The following is an entry in ClinVar:

ClinVar aggregate classification (germline): Conflicting classifications of pathogenicity. Review status: criteria provided, conflicting classifications (1 of 4 stars). 2 submissions from 2 submitters: Uncertain significance (1); Benign (1). Last evaluated 2025-11-01.

Conditions:
Inborn genetic diseases. Identifiers: MedGen C0950123, MeSH D030342.

Allele frequency attached by ClinVar (database versions not stated): ESP Exome Variant Server 0.00023; TOPMed 0.00026; gnomAD 0.00048; gnomAD exomes 0.00050; 1000 Genomes Project 30x 0.00078; ExAC 0.00092; 1000 Genomes Project 0.00100.
gnomAD v4.1: 828 of 1,614,182 alleles (0.051%); highest among the groups gnomAD compares: South Asian, 0.5%; 11 homozygotes.

Submissions (2):

CeGaT Center for Human Genetics Tuebingen
Classification: Benign. Last evaluated: 2025-11-01. Review status: criteria provided, single submitter. Criteria: CeGaT Center For Human Genetics Tuebingen Variant Classification Criteria Version 2. Collection method: clinical testing. Allele origin: germline. Affected: yes. Observed: 4 variant alleles.
Comment: NOP56: BP4, BS1, BS2

Ambry Genetics
Classification: Uncertain significance for Inborn genetic diseases. Last evaluated: 2025-06-07. Review status: criteria provided, single submitter. Criteria: Ambry Variant Classification Scheme 2023. Collection method: clinical testing. Allele origin: germline.

NM_006392.4(NOP56):c.614A>G (p.Asn205Ser)

Gene: NOP56 (NOP56 ribonucleoprotein; plus strand). Cytogenetic location: 20p13.
Variant type: single nucleotide variant.
Coding change: c.614A>G on transcript NM_006392.4 (MANE Select); coding-DNA position 614, A replaced by G.
Protein change: p.Asn205Ser; replaces asparagine 205 with serine.
Molecular consequence: missense variant. On other transcripts: non-coding transcript variant (2).
Genome position (GRCh38, 1-based): chr20:2,655,369, A>G. VCF-style: chr20-2655369-A-G. GRCh37 (hg19) VCF-style: chr20-2636015-A-G.
Other names: c.614A>G (NM_006392.3); short protein forms N205S.
Identifiers: ClinVar variation 2652151 (VCV002652151.24), dbSNP rs138832466, ClinGen allele CA9734501.